The following is an entry in ClinVar:

NM_152703.5(SAMD9L):c.3772A>C (p.Lys1258Gln)

Gene: SAMD9L (sterile alpha motif domain containing 9 like; minus strand). Cytogenetic location: 7q21.2.
Variant type: single nucleotide variant.
Coding change: c.3772A>C on transcript NM_152703.5 (MANE Select); coding-DNA position 3772, A replaced by C.
Protein change: p.Lys1258Gln; replaces lysine 1258 with glutamine.
Molecular consequence: missense variant.
Genome position (GRCh38, 1-based): chr7:93,132,200, T>G on the plus strand (A>C on the coding strand, the complement: SAMD9L is on the minus strand). VCF-style: chr7-93132200-T-G. GRCh37 (hg19) VCF-style: chr7-92761513-T-G.
Other names: c.3772A>C (NM_152703.2); c.3772A>C, p.Lys1258Gln (NM_001303496.3, NM_001303497.3, NM_001303498.3 and 5 more transcripts); short protein forms K1258Q.
Identifiers: ClinVar variation 3691930 (VCV003691930.3).

ClinVar aggregate classification (germline): Conflicting classifications of pathogenicity. Review status: criteria provided, conflicting classifications (1 of 4 stars). 2 submissions from 2 submitters: Uncertain significance (1); Likely benign (1). Last evaluated 2025-10-01.

Conditions:
Inborn genetic diseases. Identifiers: MedGen C0950123, MeSH D030342.

Submissions (2):

Ambry Genetics
Classification: Likely benign for Inborn genetic diseases. Last evaluated: 2025-10-01. Review status: criteria provided, single submitter. Criteria: Ambry Variant Classification Scheme 2023. Collection method: clinical testing. Allele origin: germline.

Labcorp Genetics (formerly Invitae), Labcorp
Classification: Uncertain significance. Last evaluated: 2024-02-23. Review status: criteria provided, single submitter. Criteria: Invitae Variant Classification Sherloc (09022015). Collection method: clinical testing. Allele origin: germline.
Comment: This sequence change replaces lysine, which is basic and polar, with glutamine, which is neutral and polar, at codon 1258 of the SAMD9L protein (p.Lys1258Gln). This variant is not present in population databases (gnomAD no frequency). This variant has not been reported in the literature in individuals affected with SAMD9L-related conditions. Advanced modeling of protein sequence and biophysical properties (such as structural, functional, and spatial information, amino acid conservation, physicochemical variation, residue mobility, and thermodynamic stability) performed at Invitae indicates that this missense variant is not expected to disrupt SAMD9L protein function with a negative predictive value of 80%. In summary, the available evidence is currently insufficient to determine the role of this variant in disease. Therefore, it has been classified as a Variant of Uncertain Significance.